The following is an entry in ClinVar:

ClinVar aggregate classification (germline): Uncertain significance. Review status: criteria provided, multiple submitters, no conflicts (2 of 4 stars). 2 submissions from 2 submitters: Uncertain significance (2). Last evaluated 2024-07-02.

Conditions:
Inborn genetic diseases. Identifiers: MedGen C0950123, MeSH D030342.

gnomAD v4.1: 6 of 1,206,868 alleles (0.0005%); highest among the groups gnomAD compares: Non-Finnish European, 0.00067%; no homozygotes.

Submissions (2):

Ambry Genetics
Classification: Uncertain significance for Inborn genetic diseases. Last evaluated: 2024-07-02. Review status: criteria provided, single submitter. Criteria: Ambry Variant Classification Scheme 2023. Collection method: clinical testing. Allele origin: germline.

GeneDx
Classification: Uncertain significance. Last evaluated: 2024-05-29. Review status: criteria provided, single submitter. Criteria: GeneDx Variant Classification Process June 2021. Collection method: clinical testing. Allele origin: germline. Affected: yes.
Comment: Not observed at significant frequency in large population cohorts (gnomAD); Missense variants in this gene are a common cause of disease and they are underrepresented in the general population; In silico analysis indicates that this missense variant does not alter protein structure/function; Has not been previously published as pathogenic or benign to our knowledge

NM_000166.6(GJB1):c.493C>G (p.Leu165Val)

Gene: GJB1 (gap junction protein beta 1; plus strand). Cytogenetic location: Xq13.1.
Variant type: single nucleotide variant.
Coding change: c.493C>G on transcript NM_000166.6 (MANE Select); coding-DNA position 493, C replaced by G.
Protein change: p.Leu165Val; replaces leucine 165 with valine.
Molecular consequence: missense variant.
Genome position (GRCh38, 1-based): chrX:71,224,200, C>G. VCF-style: chrX-71224200-C-G. GRCh37 (hg19) VCF-style: chrX-70444050-C-G.
Other names: c.493C>G, p.Leu165Val (NM_001097642.3); short protein forms L165V.
Identifiers: ClinVar variation 1209303 (VCV001209303.6), dbSNP rs2147946331, ClinGen allele CA413502768.